The following is an entry in ClinVar:

ClinVar aggregate classification (germline): Uncertain significance. Review status: criteria provided, multiple submitters, no conflicts (2 of 4 stars). 2 submissions from 2 submitters: Uncertain significance (2). Last evaluated 2025-07-31.

Allele frequency attached by ClinVar (database versions not stated): gnomAD exomes below 0.00001.
gnomAD v4.1: 1 of 1,613,896 alleles (0.000062%); highest among the groups gnomAD compares: Non-Finnish European, 0.000085%; no homozygotes.

Submissions (2):

Labcorp Genetics (formerly Invitae), Labcorp
Classification: Uncertain significance. Last evaluated: 2025-07-31. Review status: criteria provided, single submitter. Criteria: Invitae Variant Classification Sherloc (09022015). Collection method: clinical testing. Allele origin: germline.
Comment: This sequence change replaces asparagine, which is neutral and polar, with aspartic acid, which is acidic and polar, at codon 303 of the ABRAXAS1 protein (p.Asn303Asp). This variant is not present in population databases (gnomAD no frequency). This variant has not been reported in the literature in individuals affected with ABRAXAS1-related conditions. ClinVar contains an entry for this variant (Variation ID: 2051225). Invitae Evidence Modeling of protein sequence and biophysical properties (such as structural, functional, and spatial information, amino acid conservation, physicochemical variation, residue mobility, and thermodynamic stability) indicates that this missense variant is not expected to disrupt ABRAXAS1 protein function with a negative predictive value of 80%. In summary, the available evidence is currently insufficient to determine the role of this variant in disease. Therefore, it has been classified as a Variant of Uncertain Significance.

Ambry Genetics
Classification: Uncertain significance. Last evaluated: 2025-06-14. Review status: criteria provided, single submitter. Criteria: Ambry Variant Classification Scheme 2023. Collection method: clinical testing. Allele origin: germline.
Comment: The p.N303D variant (also known as c.907A>G), located in coding exon 9 of the FAM175A gene, results from an A to G substitution at nucleotide position 907. The asparagine at codon 303 is replaced by aspartic acid, an amino acid with highly similar properties. This amino acid position is conserved. In addition, this alteration is predicted to be tolerated by in silico analysis. Since supporting evidence is limited at this time, the clinical significance of this alteration remains unclear.

NM_139076.3(ABRAXAS1):c.907A>G (p.Asn303Asp)

Gene: ABRAXAS1 (abraxas 1, BRCA1 A complex subunit; minus strand). Cytogenetic location: 4q21.23.
Variant type: single nucleotide variant.
Coding change: c.907A>G on transcript NM_139076.3 (MANE Select); coding-DNA position 907, A replaced by G.
Protein change: p.Asn303Asp; replaces asparagine 303 with aspartic acid.
Molecular consequence: missense variant.
Genome position (GRCh38, 1-based): chr4:83,462,792, T>C on the plus strand (A>G on the coding strand, the complement: ABRAXAS1 is on the minus strand). VCF-style: chr4-83462792-T-C. GRCh37 (hg19) VCF-style: chr4-84383945-T-C.
Other names: c.580A>G, p.Asn194Asp (NM_001345962.2); short protein forms N303D, N194D.
Identifiers: ClinVar variation 2051225 (VCV002051225.7), dbSNP rs2529419156, ClinGen allele CA357256226.